The following is an entry in ClinVar:

ClinVar aggregate classification (germline): Uncertain significance. Review status: criteria provided, multiple submitters, no conflicts (2 of 4 stars). 5 submissions from 5 submitters: Uncertain significance (5). Last evaluated 2025-09-20.

Conditions:
Hereditary cancer-predisposing syndrome. Also called: Hereditary Cancer Syndrome; Hereditary neoplastic syndrome; Tumor predisposition; Neoplastic Syndromes, Hereditary. Identifiers: Orphanet 140162, MedGen C0027672, MeSH D009386, MONDO:0015356.
Ataxia-telangiectasia syndrome (AT). Also called: LOUIS-BAR SYNDROME; ATAXIA-TELANGIECTASIA, COMPLEMENTATION GROUP A; ATAXIA-TELANGIECTASIA, FRESNO VARIANT; Ataxia-telangiectasia; Ataxia-telangiectasia, complementation group E; Ataxia-telangiectasia, complementation group D. Identifiers: Orphanet 100, MedGen C0004135, MONDO:0008840, OMIM 208900.
Breast-ovarian cancer, familial, susceptibility to, 1 (BROVCA1). Also called: OVARIAN CANCER, SUSCEPTIBILITY TO; BRCA1 Hereditary Breast and Ovarian Cancer. Identifiers: Orphanet 145, MedGen C2676676, MONDO:0011450, OMIM 604370. Disease mechanism: loss of function.

Submissions (5):

Labcorp Genetics (formerly Invitae), Labcorp
Classification: Uncertain significance for Ataxia-telangiectasia syndrome. Last evaluated: 2025-09-20. Review status: criteria provided, single submitter. Criteria: Invitae Variant Classification Sherloc (09022015). Collection method: clinical testing. Allele origin: germline.
Comment: This sequence change replaces leucine, which is neutral and non-polar, with histidine, which is basic and polar, at codon 1322 of the ATM protein (p.Leu1322His). This variant is not present in population databases (gnomAD no frequency). This variant has not been reported in the literature in individuals affected with ATM-related conditions. ClinVar contains an entry for this variant (Variation ID: 186895). Invitae Evidence Modeling of protein sequence and biophysical properties (such as structural, functional, and spatial information, amino acid conservation, physicochemical variation, residue mobility, and thermodynamic stability) has been performed for this missense variant. However, the output from this modeling did not meet the statistical confidence thresholds required to predict the impact of this variant on ATM protein function. In summary, the available evidence is currently insufficient to determine the role of this variant in disease. Therefore, it has been classified as a Variant of Uncertain Significance.

Institute of Immunology and Genetics Kaiserslautern
Classification: Uncertain significance for Breast-ovarian cancer, familial, susceptibility to, 1. Last evaluated: 2025-07-30. Review status: criteria provided, single submitter. Criteria: ACMG Guidelines, 2015. Collection method: clinical testing. Allele origin: germline. Affected: yes.
Comment: ACMG Criteria: PM2_P, PP3 ; Variant was found in heterozygous state.

Ambry Genetics
Classification: Uncertain significance for Hereditary cancer-predisposing syndrome. Last evaluated: 2025-07-03. Review status: criteria provided, single submitter. Criteria: Ambry Variant Classification Scheme 2023. Collection method: clinical testing. Allele origin: germline.
Comment: The p.L1322H variant (also known as c.3965T>A), located in coding exon 25 of the ATM gene, results from a T to A substitution at nucleotide position 3965. The leucine at codon 1322 is replaced by histidine, an amino acid with similar properties. This amino acid position is highly conserved in available vertebrate species. In addition, this alteration is predicted to be deleterious by in silico analysis. Based on the available evidence, the clinical significance of this variant remains unclear.

Color Diagnostics, LLC DBA Color Health
Classification: Uncertain significance for Hereditary cancer-predisposing syndrome. Last evaluated: 2024-03-06. Review status: criteria provided, single submitter. Criteria: ACMG Guidelines, 2015. Collection method: clinical testing. Allele origin: germline.
Comment: This missense variant replaces leucine with histidine at codon 1322 of the ATM protein. Computational prediction suggests that this variant may have deleterious impact on protein structure and function (internally defined REVEL score threshold >= 0.7, PMID: 27666373). Splice site prediction tools suggest that this variant may not impact RNA splicing. To our knowledge, functional studies have not been performed for this variant. This variant has not been reported in individuals affected with hereditary cancer in the literature. This variant has not been identified in the general population by the Genome Aggregation Database (gnomAD). The available evidence is insufficient to determine the role of this variant in disease conclusively. Therefore, this variant is classified as a Variant of Uncertain Significance.

GeneDx
Classification: Uncertain significance. Last evaluated: 2016-07-12. Review status: criteria provided, single submitter. Criteria: GeneDx Variant Classification (06012015). Collection method: clinical testing. Allele origin: germline. Affected: yes.
Comment: This variant is denoted ATM c.3965T>A at the cDNA level, p.Leu1322His (L1322H) at the protein level, and results in the change of a Leucine to a Histidine (CTT>CAT). This variant has not, to our knowledge, been published in the literature as pathogenic or benign. ATM Leu1322His was not observed in approximately 6,500 individuals of European and African American ancestry in the NHLBI Exome Sequencing Project, suggesting it is not a common benign variant in these populations. Since Leucine and Histidine differ in polarity, charge, size or other properties, this is considered a non-conservative amino acid substitution. ATM Leu1322His occurs at a position that is conserved across species and is not located in a known functional domain. In silico analyses predict that this variant is probably damaging to protein structure and function. Based on currently available evidence, it is unclear whether ATM Leu1322His is a pathogenic or benign variant. We consider it to be a variant of uncertain significance.

NM_000051.4(ATM):c.3965T>A (p.Leu1322His)

Gene: ATM (ATM serine/threonine kinase; plus strand). Cytogenetic location: 11q22.3.
Variant type: single nucleotide variant.
Coding change: c.3965T>A on transcript NM_000051.4 (MANE Select); coding-DNA position 3965, T replaced by A.
Protein change: p.Leu1322His; replaces leucine 1322 with histidine.
Molecular consequence: missense variant.
Genome position (GRCh38, 1-based): chr11:108,284,445, T>A. VCF-style: chr11-108284445-T-A. GRCh37 (hg19) VCF-style: chr11-108155172-T-A.
Other names: c.3965T>A, p.Leu1322His (NM_001351834.2); short protein forms L1322H.
Identifiers: ClinVar variation 186895 (VCV000186895.18), dbSNP rs786203306, ClinGen allele CA196171.
Genomic context (GRCh38, chr11:108,284,445, plus strand): 5'-GTACCAGAGACAGTGGGATGGCACAGCAAAGAGAGACTGCTACCAAGGTCTATGATATGC[T>A]TAAAAGTGAAAACTTATTGGGAAAACAGGTATGGCTTCAATTTTTATGTACTTTTCATTC-3'
Protein context (NP_000042.3, residues 1312-1332): RETATKVYDM[Leu1322His]KSENLLGKQI